The following is an entry in ClinVar:

NM_000322.5(PRPH2):c.597del (p.Asn199fs)

Gene: PRPH2 (peripherin 2; minus strand). Cytogenetic location: 6p21.1.
Variant type: Deletion.
Coding change: c.597del on transcript NM_000322.5 (MANE Select); coding-DNA position 597, one base deleted (C; older notation c.597delC).
Protein change: p.Asn199fs; shifts the reading frame from asparagine 199.
Molecular consequence: frameshift variant.
Genome position (GRCh38, 1-based): chr6:42,704,596, G deleted on the plus strand (C on the coding strand, the reverse complement: PRPH2 is on the minus strand). VCF-style (leftmost placement, unchanged base first): chr6-42704595-CG-C. GRCh37 (hg19) VCF-style: chr6-42672333-CG-C.
Other names: c.597del (NM_000322.4); short protein forms N199fs.
Identifiers: ClinVar variation 973706 (VCV000973706.5), dbSNP rs1800118044, ClinGen allele CA1139659521.

ClinVar aggregate classification (germline): Pathogenic/Likely pathogenic. Review status: criteria provided, multiple submitters, no conflicts (2 of 4 stars). 3 submissions from 3 submitters: Pathogenic (1); Likely pathogenic (1). 1 of the submissions does not count toward it. Last evaluated 2025-07-03.

Conditions:
Patterned dystrophy of the retinal pigment epithelium (MDPT1). Identifiers: Orphanet 63454, MedGen C1868569, MONDO:0018973.
PRPH2-related disorder. Also called: PRPH2-related condition; PRPH2-related disorders. Identifiers: MedGen CN239395.

Submissions (3):

Labcorp Genetics (formerly Invitae), Labcorp
Classification: Pathogenic for PRPH2-related disorder. Last evaluated: 2025-07-03. Review status: criteria provided, single submitter. Criteria: Invitae Variant Classification Sherloc (09022015). Collection method: clinical testing. Allele origin: germline.
Comment: This sequence change creates a premature translational stop signal (p.Asn199Lysfs*57) in the PRPH2 gene. It is expected to result in an absent or disrupted protein product. Loss-of-function variants in PRPH2 are known to be pathogenic (PMID: 8111389, 8485575, 8485576, 8675410, 16916875, 17504850, 22863181, 25675413, 26061163, 27365499, 29555955, 33546218). This variant is not present in population databases (gnomAD no frequency). This premature translational stop signal has been observed in individual(s) with pattern dystrophy (PMID: 32531846). ClinVar contains an entry for this variant (Variation ID: 973706). For these reasons, this variant has been classified as Pathogenic.

NEI Ophthalmic Genomics Laboratory, National Institutes of Health
Classification: Likely pathogenic for Patterned dystrophy of the retinal pigment epithelium. Last evaluated: 2020-01-07. Review status: criteria provided, single submitter. Criteria: ACMG Guidelines, 2015. Collection method: clinical testing. Allele origin: germline. Affected: yes.
Comment: The variant NM_000322.4:c.597delC in the PRPH2 gene has not been reported to our knowledge . This variant is not listed in dbSNP and/or HGMD. It is absent in gnomAD browser. It is not enriched in the PRPH2 disease cohort. We invoked ACMG criteria [PVS1, PM2] and classified NM_000322.4:c.597delC in the PRPH2 gene as a Likely Pathogenic mutation.

Leiden Open Variation Database
Classification: Pathogenic. Last evaluated: 2021-04-06. Review status: no assertion criteria provided. Collection method: curation. Allele origin: germline. Affected: yes. Not counted in ClinVar's aggregate classification.
Comment: Curator: Global Variome, with Curator vacancy. Submitter to LOVD: Manon Peeters.

Literature cited by the submitters: PubMed 8111389 (cited by Labcorp Genetics (formerly Invitae), Labcorp); PubMed 8485575 (cited by Labcorp Genetics (formerly Invitae), Labcorp); PubMed 8485576 (cited by Labcorp Genetics (formerly Invitae), Labcorp); PubMed 8675410 (cited by Labcorp Genetics (formerly Invitae), Labcorp); PubMed 16916875 (cited by Labcorp Genetics (formerly Invitae), Labcorp); PubMed 17504850 (cited by Labcorp Genetics (formerly Invitae), Labcorp); PubMed 22863181 (cited by Labcorp Genetics (formerly Invitae), Labcorp); PubMed 25675413 (cited by Labcorp Genetics (formerly Invitae), Labcorp); PubMed 26061163 (cited by Labcorp Genetics (formerly Invitae), Labcorp); PubMed 27365499 (cited by Labcorp Genetics (formerly Invitae), Labcorp); PubMed 29555955 (cited by Labcorp Genetics (formerly Invitae), Labcorp); PubMed 33546218 (cited by Labcorp Genetics (formerly Invitae), Labcorp); PubMed 32531846 (cited by Labcorp Genetics (formerly Invitae), Labcorp and Leiden Open Variation Database).